The following is an entry in ClinVar:

NM_052947.4(ALPK2):c.980T>G (p.Leu327Arg)

Genes: ALPK2 (alpha kinase 2; minus strand), LOC114803473 (ALPK2 eExon liver enhancer; plus strand). Cytogenetic location: 18q21.31.
Variant type: single nucleotide variant.
Coding change: c.980T>G on transcript NM_052947.4 (MANE Select); coding-DNA position 980, T replaced by G.
Protein change: p.Leu327Arg; replaces leucine 327 with arginine.
Molecular consequence: missense variant.
Genome position (GRCh38, 1-based): chr18:58,579,796, A>C on the plus strand (T>G on the coding strand, the complement: ALPK2 is on the minus strand). VCF-style: chr18-58579796-A-C. GRCh37 (hg19) VCF-style: chr18-56247028-A-C.
Other names: short protein forms L327R.
Identifiers: ClinVar variation 2449257 (VCV002449257.2), dbSNP rs768306902, ClinGen allele CA402565249.

ClinVar aggregate classification (germline): Uncertain significance (1 of 4 stars; one submission).

Submission:

Ambry Genetics
Classification: Uncertain significance. Last evaluated: 2023-01-11. Review status: criteria provided, single submitter. Criteria: Ambry Variant Classification Scheme 2023. Collection method: clinical testing. Allele origin: germline.
Comment: The p.L327R variant (also known as c.980T>G), located in coding exon 3 of the ALPK2 gene, results from a T to G substitution at nucleotide position 980. The leucine at codon 327 is replaced by arginine, an amino acid with dissimilar properties. This amino acid position is conserved. In addition, the in silico prediction for this alteration is inconclusive. Since supporting evidence is limited at this time, the clinical significance of this alteration remains unclear.